The following is an entry in ClinVar:

NM_016816.4(OAS1):c.1102A>G (p.Ile368Val)

Gene: OAS1 (2'-5'-oligoadenylate synthetase 1; plus strand). Cytogenetic location: 12q24.13.
Variant type: single nucleotide variant.
Coding change: c.1102A>G on transcript NM_016816.4 (MANE Select); coding-DNA position 1102, A replaced by G.
Protein change: p.Ile368Val; replaces isoleucine 368 with valine.
Molecular consequence: missense variant. On other transcripts: 3 prime UTR variant (5), non-coding transcript variant (7), intron variant (5).
Genome position (GRCh38, 1-based): chr12:112,919,452, A>G. VCF-style: chr12-112919452-A-G. GRCh37 (hg19) VCF-style: chr12-113357257-A-G.
Other names: c.1078A>G, p.Ile360Val (NM_001406021.1); c.*739A>G (NM_001406022.1, NM_001406023.1, NM_001406029.1); c.*1695A>G (NM_001406024.1, NM_001406030.1); c.628A>G, p.Ile210Val (NM_001406027.1); c.1038+1752A>G (NM_001320151.2); c.1014+1752A>G (NM_001406025.1); c.1039-35A>G (NM_001032409.3); c.1015-35A>G (NM_001406020.1); and 1 more; short protein forms I210V, I360V, I368V.
Identifiers: ClinVar variation 4807227 (VCV004807227.1).

ClinVar aggregate classification (germline): Uncertain significance (1 of 4 stars; one submission).

gnomAD v4.1: 1 of 1,614,206 alleles (0.000062%); highest among the groups gnomAD compares: African/African-American, 0.0013%; no homozygotes.

Submission:

Labcorp Genetics (formerly Invitae), Labcorp
Classification: Uncertain significance. Last evaluated: 2026-01-11. Review status: criteria provided, single submitter. Criteria: Invitae Variant Classification Sherloc (09022015). Collection method: clinical testing. Allele origin: germline.
Comment: This sequence change replaces isoleucine, which is neutral and non-polar, with valine, which is neutral and non-polar, at codon 368 of the OAS1 protein (p.Ile368Val). This variant is present in population databases (rs759656325, gnomAD 0.007%). This variant has not been reported in the literature in individuals affected with OAS1-related conditions. An algorithm developed to predict the effect of missense changes on protein structure and function (PolyPhen-2) suggests that this variant is likely to be tolerated. In summary, the available evidence is currently insufficient to determine the role of this variant in disease. Therefore, it has been classified as a Variant of Uncertain Significance.